The following is an entry in ClinVar:

ClinVar aggregate classification (germline): Uncertain significance (1 of 4 stars; one submission).

gnomAD v4.1: 2 of 1,613,422 alleles (0.00012%); highest among the groups gnomAD compares: Non-Finnish European, 0.00017%; no homozygotes.

Submission:

Labcorp Genetics (formerly Invitae), Labcorp
Classification: Uncertain significance. Last evaluated: 2022-07-15. Review status: criteria provided, single submitter. Criteria: Invitae Variant Classification Sherloc (09022015). Collection method: clinical testing. Allele origin: germline.
Comment: This variant has not been reported in the literature in individuals affected with CPLANE1-related conditions. This variant is not present in population databases (gnomAD no frequency). This sequence change replaces isoleucine, which is neutral and non-polar, with leucine, which is neutral and non-polar, at codon 1166 of the CPLANE1 protein (p.Ile1166Leu). ClinVar contains an entry for this variant (Variation ID: 1513100). In summary, the available evidence is currently insufficient to determine the role of this variant in disease. Therefore, it has been classified as a Variant of Uncertain Significance. Advanced modeling of protein sequence and biophysical properties (such as structural, functional, and spatial information, amino acid conservation, physicochemical variation, residue mobility, and thermodynamic stability) performed at Invitae indicates that this missense variant is not expected to disrupt CPLANE1 protein function.

NM_001384732.1(CPLANE1):c.3496A>C (p.Ile1166Leu)

Gene: CPLANE1 (ciliogenesis and planar polarity effector complex subunit 1; minus strand). Cytogenetic location: 5p13.2.
Variant type: single nucleotide variant.
Coding change: c.3496A>C on transcript NM_001384732.1 (MANE Select); coding-DNA position 3496, A replaced by C.
Protein change: p.Ile1166Leu; replaces isoleucine 1166 with leucine.
Molecular consequence: missense variant.
Genome position (GRCh38, 1-based): chr5:37,201,602, T>G on the plus strand (A>C on the coding strand, the complement: CPLANE1 is on the minus strand). VCF-style: chr5-37201602-T-G. GRCh37 (hg19) VCF-style: chr5-37201704-T-G.
Other names: c.3496A>C, p.Ile1166Leu (NM_023073.4); short protein forms I1166L.
Identifiers: ClinVar variation 1513100 (VCV001513100.6), dbSNP rs2150063584, ClinGen allele CA359512789.